The following is an entry in ClinVar:

NM_198578.4(LRRK2):c.5368G>C (p.Glu1790Gln)

Gene: LRRK2 (leucine rich repeat kinase 2; plus strand). Cytogenetic location: 12q12.
Variant type: single nucleotide variant.
Coding change: c.5368G>C on transcript NM_198578.4 (MANE Select); coding-DNA position 5368, G replaced by C.
Protein change: p.Glu1790Gln; replaces glutamic acid 1790 with glutamine.
Molecular consequence: missense variant.
Genome position (GRCh38, 1-based): chr12:40,322,369, G>C. VCF-style: chr12-40322369-G-C. GRCh37 (hg19) VCF-style: chr12-40716171-G-C.
Other names: short protein forms E1790Q.
Identifiers: ClinVar variation 2453038 (VCV002453038.2), dbSNP rs2499885075, ClinGen allele CA384420604.

ClinVar aggregate classification (germline): Uncertain significance (1 of 4 stars; one submission).

Conditions:
Inborn genetic diseases. Identifiers: MedGen C0950123, MeSH D030342.

Submission:

Ambry Genetics
Classification: Uncertain significance for Inborn genetic diseases. Last evaluated: 2022-12-05. Review status: criteria provided, single submitter. Criteria: Ambry Variant Classification Scheme 2023. Collection method: clinical testing. Allele origin: germline.
Comment: The p.E1790Q variant (also known as c.5368G>C), located in coding exon 37 of the LRRK2 gene, results from a G to C substitution at nucleotide position 5368. The glutamic acid at codon 1790 is replaced by glutamine, an amino acid with highly similar properties. This amino acid position is conserved. In addition, the in silico prediction for this alteration is inconclusive. Since supporting evidence is limited at this time, the clinical significance of this alteration remains unclear.